The following is an entry in ClinVar:

NM_003718.5(CDK13):c.1011C>T (p.Ser337=)

Gene: CDK13 (cyclin dependent kinase 13; plus strand). Cytogenetic location: 7p14.1.
Variant type: single nucleotide variant.
Coding change: c.1011C>T on transcript NM_003718.5 (MANE Select); coding-DNA position 1011, C replaced by T.
Protein change: p.Ser337=; no amino-acid change (serine 337 retained).
Molecular consequence: synonymous variant.
Genome position (GRCh38, 1-based): chr7:39,951,652, C>T. VCF-style: chr7-39951652-C-T. GRCh37 (hg19) VCF-style: chr7-39991251-C-T.
Other names: c.1011C>T, p.Ser337= (NM_031267.4).
Identifiers: ClinVar variation 2045074 (VCV002045074.6), dbSNP rs770903178, ClinGen allele CA4228384.
Genomic context (GRCh38, chr7:39,951,652, plus strand): 5'-CCCACTGGGAGGCCGGGACGACAGCCCGGTGTCCCACAGGGCCTCTCAGAGCCTGAGGAG[C>T]CGCAAGTCCCCCAGCCCGGCAGGAGGTGGCAGCAGCCCCTATTCTCGGCGGCTGCCGCGC-3'
Protein context (NP_003709.3, residues 327-347): VSHRASQSLR[Ser337=]RKSPSPAGGG

ClinVar aggregate classification (germline): Likely benign. Review status: criteria provided, single submitter (1 of 4 stars). 2 submissions from 2 submitters: Likely benign (1). 1 of the submissions does not count toward it. Last evaluated 2026-01-16.

Conditions:
CDK13-related disorder. Also called: CDK13-related condition. Identifiers: MedGen C5816700.

Allele frequency attached by ClinVar (database versions not stated): TOPMed 0.00008; gnomAD 0.00011; ExAC 0.00013.
gnomAD v4.1: 138 of 1,477,472 alleles (0.0093%); highest among the groups gnomAD compares: Non-Finnish European, 0.011%; no homozygotes.

Submissions (2):

Labcorp Genetics (formerly Invitae), Labcorp
Classification: Likely benign. Last evaluated: 2026-01-16. Review status: criteria provided, single submitter. Criteria: Invitae Variant Classification Sherloc (09022015). Collection method: clinical testing. Allele origin: germline.

PreventionGenetics, part of Exact Sciences
Classification: Likely benign for CDK13-related condition. Last evaluated: 2019-08-28. Review status: no assertion criteria provided. Collection method: clinical testing. Allele origin: germline. Not counted in ClinVar's aggregate classification.
Comment: This variant is classified as likely benign based on ACMG/AMP sequence variant interpretation guidelines (Richards et al. 2015 PMID: 25741868, with internal and published modifications).